The following is an entry in ClinVar:

ClinVar aggregate classification (germline): Pathogenic (1 of 4 stars; one submission).

Conditions:
Polyglucosan body myopathy type 1 (PGBM1). Also called: Polyglucosan body myopathy 1 with or without immunodeficiency; POLYGLUCOSAN BODY MYOPATHY WITHOUT IMMUNODEFICIENCY. Identifiers: Orphanet 329173, Orphanet 397937, MedGen C4014605, MONDO:0014389, OMIM 615895.

Allele frequency attached by ClinVar (database versions not stated): gnomAD exomes below 0.00001; TOPMed below 0.00001.
gnomAD v4.1: 4 of 1,556,268 alleles (0.00026%); highest among the groups gnomAD compares: East Asian, 0.0024%; no homozygotes.

Submission:

Labcorp Genetics (formerly Invitae), Labcorp
Classification: Pathogenic for Polyglucosan body myopathy type 1. Last evaluated: 2021-05-08. Review status: criteria provided, single submitter. Criteria: Invitae Variant Classification Sherloc (09022015). Collection method: clinical testing. Allele origin: germline.
Comment: For these reasons, this variant has been classified as Pathogenic. This variant has not been reported in the literature in individuals with RBCK1-related conditions. The frequency data for this variant in the population databases is considered unreliable, as metrics indicate insufficient coverage at this position in the ExAC database. This sequence change creates a premature translational stop signal (p.Gln251*) in the RBCK1 gene. It is expected to result in an absent or disrupted protein product. Loss-of-function variants in RBCK1 are known to be pathogenic (PMID: 2379848, 23104095, 23889995).

Literature cited by the submitters: PubMed 2379848; PubMed 23104095; PubMed 23889995.

NM_031229.4(RBCK1):c.751C>T (p.Gln251Ter)

Gene: RBCK1 (RANBP2-type and C3HC4-type zinc finger containing 1; plus strand). Cytogenetic location: 20p13.
Variant type: single nucleotide variant.
Coding change: c.751C>T on transcript NM_031229.4 (MANE Select); coding-DNA position 751, C replaced by T.
Protein change: p.Gln251Ter; replaces glutamine 251 with a stop codon.
Molecular consequence: nonsense. On other transcripts: synonymous variant (2), non-coding transcript variant (1).
Genome position (GRCh38, 1-based): chr20:419,726, C>T. VCF-style: chr20-419726-C-T. GRCh37 (hg19) VCF-style: chr20-400370-C-T.
Other names: c.402C>T, p.Thr134= (NM_001323956.2, NM_001323958.2); c.625C>T, p.Gln209Ter (NM_006462.6); short protein forms Q209*, Q251*.
Identifiers: ClinVar variation 1393408 (VCV001393408.6), dbSNP rs2016261486, ClinGen allele CA407926565.